The following is an entry in ClinVar:

ClinVar aggregate classification (germline): Uncertain significance (1 of 4 stars; one submission).

Conditions:
Hereditary cancer-predisposing syndrome. Also called: Neoplastic Syndromes, Hereditary; Tumor predisposition; Hereditary Cancer Syndrome; Hereditary neoplastic syndrome. Identifiers: Orphanet 140162, MedGen C0027672, MeSH D009386, MONDO:0015356.

Submission:

Ambry Genetics
Classification: Uncertain significance for Hereditary cancer-predisposing syndrome. Last evaluated: 2019-08-23. Review status: criteria provided, single submitter. Criteria: Ambry Variant Classification Scheme 2023. Collection method: clinical testing. Allele origin: germline.
Comment: The p.V1312G variant (also known as c.3935T>G), located in coding exon 9 of the MSH6 gene, results from a T to G substitution at nucleotide position 3935. The valine at codon 1312 is replaced by glycine, an amino acid with dissimilar properties. This amino acid position is well conserved in available vertebrate species. In addition, this alteration is predicted to be deleterious by in silico analysis. Since supporting evidence is limited at this time, the clinical significance of this alteration remains unclear.

NM_000179.3(MSH6):c.3935T>G (p.Val1312Gly)

Gene: MSH6 (mutS homolog 6; plus strand). Cytogenetic location: 2p16.3.
Variant type: single nucleotide variant.
Coding change: c.3935T>G on transcript NM_000179.3 (MANE Select); coding-DNA position 3935, T replaced by G.
Protein change: p.Val1312Gly; replaces valine 1312 with glycine.
Molecular consequence: missense variant.
Genome position (GRCh38, 1-based): chr2:47,806,585, T>G. VCF-style: chr2-47806585-T-G. GRCh37 (hg19) VCF-style: chr2-48033724-T-G.
Other names: c.3638T>G, p.Val1213Gly (NM_001406824.1, NM_001406825.1, NM_001406797.1 and 10 more transcripts); c.3767T>G, p.Val1256Gly (NM_001406826.1); c.3545T>G, p.Val1182Gly (NM_001281492.2); c.3029T>G, p.Val1010Gly (NM_001281493.2, NM_001281494.2, NM_001406811.1 and 6 more transcripts); c.4031T>G, p.Val1344Gly (NM_001406795.1); c.3935T>G, p.Val1312Gly (NM_001406796.1, NM_001406808.1, NM_001406809.1); c.3761T>G, p.Val1254Gly (NM_001406798.1); c.3410T>G, p.Val1137Gly (NM_001406799.1, NM_001406806.1, NM_001406807.1); and 8 more; short protein forms V1213G, V1256G, V790G, V1137G, V1182G, V1286G, V1314G, V627G.
Identifiers: ClinVar variation 1736297 (VCV001736297.2), dbSNP rs2104562596, ClinGen allele CA346761492.